The following is an entry in ClinVar:

ClinVar aggregate classification (germline): Uncertain significance. Review status: criteria provided, single submitter (1 of 4 stars). 2 submissions from 2 submitters: Uncertain significance (1). 1 of the submissions does not count toward it. Last evaluated 2022-05-19.

Conditions:
Glycogen storage disease type III (GSD3). Also called: FORBES DISEASE; Cori disease. Identifiers: Orphanet 366, MedGen C0017922, MONDO:0009291, OMIM 232400.

Allele frequency attached by ClinVar (database versions not stated): TOPMed 0.00001; ExAC 0.00002; gnomAD 0.00002; gnomAD exomes 0.00002.
gnomAD v4.1: 16 of 1,608,416 alleles (0.00099%); highest among the groups gnomAD compares: Non-Finnish European, 0.0006%; no homozygotes.

Submissions (2):

Labcorp Genetics (formerly Invitae), Labcorp
Classification: Uncertain significance for Glycogen storage disease type III. Last evaluated: 2022-05-19. Review status: criteria provided, single submitter. Criteria: Invitae Variant Classification Sherloc (09022015). Collection method: clinical testing. Allele origin: germline.
Comment: This sequence change replaces alanine, which is neutral and non-polar, with valine, which is neutral and non-polar, at codon 309 of the AGL protein (p.Ala309Val). This variant is present in population databases (rs762269076, gnomAD 0.02%). This variant has not been reported in the literature in individuals affected with AGL-related conditions. ClinVar contains an entry for this variant (Variation ID: 851151). Algorithms developed to predict the effect of missense changes on protein structure and function (SIFT, PolyPhen-2, Align-GVGD) all suggest that this variant is likely to be tolerated. Algorithms developed to predict the effect of sequence changes on RNA splicing suggest that this variant may disrupt the consensus splice site. In summary, the available evidence is currently insufficient to determine the role of this variant in disease. Therefore, it has been classified as a Variant of Uncertain Significance.

Natera, Inc.
Classification: Uncertain significance for Glycogen storage disease type III. Last evaluated: 2020-07-30. Review status: no assertion criteria provided. Collection method: clinical testing. Allele origin: germline. Not counted in ClinVar's aggregate classification.

NM_000642.3(AGL):c.926C>T (p.Ala309Val)

Gene: AGL (amylo-alpha-1,6-glucosidase and 4-alpha-glucanotransferase; plus strand). Cytogenetic location: 1p21.2.
Variant type: single nucleotide variant.
Coding change: c.926C>T on transcript NM_000642.3 (MANE Select); coding-DNA position 926, C replaced by T.
Protein change: p.Ala309Val; replaces alanine 309 with valine.
Molecular consequence: missense variant.
Genome position (GRCh38, 1-based): chr1:99,870,837, C>T. VCF-style: chr1-99870837-C-T. GRCh37 (hg19) VCF-style: chr1-100336393-C-T.
Other names: c.926C>T, p.Ala309Val (NM_000028.3, NM_000643.3, NM_000644.3 and 3 more transcripts); c.878C>T, p.Ala293Val (NM_000646.3); c.722C>T, p.Ala241Val (NM_001425328.1, NM_001425329.1); c.548C>T, p.Ala183Val (NM_001425332.1); short protein forms A309V, A293V, A183V, A241V.
Identifiers: ClinVar variation 851151 (VCV000851151.8), dbSNP rs762269076, ClinGen allele CA966312.